The following is an entry in ClinVar:

NM_015346.4(ZFYVE26):c.3974C>T (p.Pro1325Leu)

Gene: ZFYVE26 (zinc finger FYVE-type containing 26; minus strand). Cytogenetic location: 14q24.1.
Variant type: single nucleotide variant.
Coding change: c.3974C>T on transcript NM_015346.4 (MANE Select); coding-DNA position 3974, C replaced by T.
Protein change: p.Pro1325Leu; replaces proline 1325 with leucine.
Molecular consequence: missense variant.
Genome position (GRCh38, 1-based): chr14:67,783,178, G>A on the plus strand (C>T on the coding strand, the complement: ZFYVE26 is on the minus strand). VCF-style: chr14-67783178-G-A. GRCh37 (hg19) VCF-style: chr14-68249895-G-A.
Other names: short protein forms P1325L.
Identifiers: ClinVar variation 2180078 (VCV002180078.1), dbSNP rs747346400, ClinGen allele CA7239867.

ClinVar aggregate classification (germline): Uncertain significance (1 of 4 stars; one submission).

Conditions:
Spastic paraplegia. Identifiers: MedGen C0037772, HP:0001258.

Allele frequency attached by ClinVar (database versions not stated): gnomAD 0.00001; gnomAD exomes 0.00001; TOPMed 0.00002; ExAC 0.00003.
gnomAD v4.1: 16 of 1,609,708 alleles (0.00099%); highest among the groups gnomAD compares: East Asian, 0.0022%; no homozygotes.

Submission:

Labcorp Genetics (formerly Invitae), Labcorp
Classification: Uncertain significance for Spastic paraplegia. Last evaluated: 2022-07-23. Review status: criteria provided, single submitter. Criteria: Invitae Variant Classification Sherloc (09022015). Collection method: clinical testing. Allele origin: germline.
Comment: This sequence change replaces proline, which is neutral and non-polar, with leucine, which is neutral and non-polar, at codon 1325 of the ZFYVE26 protein (p.Pro1325Leu). This variant is present in population databases (rs747346400, gnomAD 0.003%). This variant has not been reported in the literature in individuals affected with ZFYVE26-related conditions. Algorithms developed to predict the effect of missense changes on protein structure and function output the following: SIFT: "Tolerated"; PolyPhen-2: "Benign"; Align-GVGD: "Class C0". The leucine amino acid residue is found in multiple mammalian species, which suggests that this missense change does not adversely affect protein function. In summary, the available evidence is currently insufficient to determine the role of this variant in disease. Therefore, it has been classified as a Variant of Uncertain Significance.